The following is an entry in ClinVar:

NM_002637.4(PHKA1):c.2526+5T>C

Gene: PHKA1 (phosphorylase kinase regulatory subunit alpha 1; minus strand). Cytogenetic location: Xq13.1.
Variant type: single nucleotide variant.
Coding change: c.2526+5T>C on transcript NM_002637.4 (MANE Select); 5 bases into the intron after coding-DNA position 2526, T replaced by C.
Molecular consequence: intron variant.
Genome position (GRCh38, 1-based): chrX:72,611,023, A>G on the plus strand (T>C on the coding strand, the complement: PHKA1 is on the minus strand). VCF-style: chrX-72611023-A-G. GRCh37 (hg19) VCF-style: chrX-71830873-A-G.
Other names: c.2349+5T>C (NM_001172436.2); c.2526+5T>C (NM_001122670.2).
Identifiers: ClinVar variation 504063 (VCV000504063.6), dbSNP rs1556259531, ClinGen allele CA658799799.
Genomic context (GRCh38, chrX:72,611,023, plus strand): 5'-ATAGAAACCAATTTTTAAAAAGCACGCTTATTTAGATTTGGTATAAATTCAAGAATTTAT[A>G]GTACCTCATCAAGTGCTTCCACTTTCTTCCTTAAGATCCCAGAAATGTATCGGATCAGGC-3'

ClinVar aggregate classification (germline): Uncertain significance. Review status: criteria provided, multiple submitters, no conflicts (2 of 4 stars). 2 submissions from 2 submitters: Uncertain significance (2). Last evaluated 2025-10-08.

Conditions:
Glycogen storage disease IXd (GSD9D). Also called: Muscle Phosphorylase Kinase Deficiency; GSD IXd. Identifiers: Orphanet 715, MedGen C1845151, MONDO:0010362, OMIM 300559.

Allele frequency attached by ClinVar (database versions not stated): gnomAD exomes 0.00001.
gnomAD v4.1: 4 of 1,190,144 alleles (0.00034%); highest among the groups gnomAD compares: Non-Finnish European, 0.00046%; no homozygotes.

Submissions (2):

GeneDx
Classification: Uncertain significance. Last evaluated: 2025-10-08. Review status: criteria provided, single submitter. Criteria: GeneDx Variant Classification Process June 2021. Collection method: clinical testing. Allele origin: germline. Affected: yes.
Comment: Not observed at significant frequency in large population cohorts (gnomAD); In silico analysis suggests that this variant does not alter splicing; Has not been previously published as pathogenic or benign to our knowledge

Labcorp Genetics (formerly Invitae), Labcorp
Classification: Uncertain significance for Glycogen storage disease IXd. Last evaluated: 2024-02-08. Review status: criteria provided, single submitter. Criteria: Invitae Variant Classification Sherloc (09022015). Collection method: clinical testing. Allele origin: germline.
Comment: This sequence change falls in intron 22 of the PHKA1 gene. It does not directly change the encoded amino acid sequence of the PHKA1 protein. It affects a nucleotide within the consensus splice site. This variant is not present in population databases (gnomAD no frequency). This variant has not been reported in the literature in individuals affected with PHKA1-related conditions. ClinVar contains an entry for this variant (Variation ID: 504063). Variants that disrupt the consensus splice site are a relatively common cause of aberrant splicing (PMID: 17576681, 9536098). Algorithms developed to predict the effect of sequence changes on RNA splicing suggest that this variant is not likely to affect RNA splicing. In summary, the available evidence is currently insufficient to determine the role of this variant in disease. Therefore, it has been classified as a Variant of Uncertain Significance.

Literature cited by the submitters: PubMed 17576681 (cited by Labcorp Genetics (formerly Invitae), Labcorp); PubMed 9536098 (cited by Labcorp Genetics (formerly Invitae), Labcorp).